The following is an entry in ClinVar:

NM_000038.6(APC):c.6926C>T (p.Pro2309Leu)

Gene: APC (APC regulator of Wnt signaling pathway; plus strand). Cytogenetic location: 5q22.2.
Variant type: single nucleotide variant.
Coding change: c.6926C>T on transcript NM_000038.6 (MANE Select); coding-DNA position 6926, C replaced by T.
Protein change: p.Pro2309Leu; replaces proline 2309 with leucine.
Molecular consequence: missense variant.
Genome position (GRCh38, 1-based): chr5:112,842,520, C>T. VCF-style: chr5-112842520-C-T. GRCh37 (hg19) VCF-style: chr5-112178217-C-T.
Other names: c.6926C>T, p.Pro2309Leu (NM_001127510.3, NM_001354895.2); c.6872C>T, p.Pro2291Leu (NM_001127511.3); c.6980C>T, p.Pro2327Leu (NM_001354896.2); c.6956C>T, p.Pro2319Leu (NM_001354897.2); c.6851C>T, p.Pro2284Leu (NM_001354898.2); c.6842C>T, p.Pro2281Leu (NM_001354899.2); c.6803C>T, p.Pro2268Leu (NM_001354900.2); c.6749C>T, p.Pro2250Leu (NM_001354901.2); and 5 more; short protein forms P2291L, P2309L, P2218L, P2250L, P2284L, P2149L, P2208L, P2281L.
Identifiers: ClinVar variation 411480 (VCV000411480.60), dbSNP rs1060503329, ClinGen allele CA16036441.

ClinVar aggregate classification (germline): Uncertain significance. Review status: criteria provided, multiple submitters, no conflicts (2 of 4 stars). 6 submissions from 6 submitters: Uncertain significance (6). Last evaluated 2025-11-24.

Conditions:
Familial adenomatous polyposis 1 (FAP1). Also called: FAMILIAL ADENOMATOUS POLYPOSIS 1, ATTENUATED; POLYPOSIS, ADENOMATOUS INTESTINAL. Identifiers: MedGen C2713442, MONDO:0021056, OMIM 175100. Disease mechanism: loss of function.
Hereditary cancer-predisposing syndrome. Also called: Tumor predisposition; Hereditary Cancer Syndrome; Hereditary neoplastic syndrome; Neoplastic Syndromes, Hereditary. Identifiers: Orphanet 140162, MedGen C0027672, MeSH D009386, MONDO:0015356.
Classic or attenuated familial adenomatous polyposis. Identifiers: MedGen CN372698, MONDO:0021057.

Allele frequency attached by ClinVar (database versions not stated): gnomAD exomes below 0.00001; TOPMed 0.00002.
gnomAD v4.1: 3 of 1,614,062 alleles (0.00019%); highest among the groups gnomAD compares: Non-Finnish European, 0.00017%; no homozygotes.

Submissions (6):

Labcorp Genetics (formerly Invitae), Labcorp
Classification: Uncertain significance for Familial adenomatous polyposis 1. Last evaluated: 2025-11-24. Review status: criteria provided, single submitter. Criteria: Invitae Variant Classification Sherloc (09022015). Collection method: clinical testing. Allele origin: germline.
Comment: This sequence change replaces proline, which is neutral and non-polar, with leucine, which is neutral and non-polar, at codon 2309 of the APC protein (p.Pro2309Leu). This variant is not present in population databases (gnomAD no frequency). This variant has not been reported in the literature in individuals affected with APC-related conditions. ClinVar contains an entry for this variant (Variation ID: 411480). Invitae Evidence Modeling of protein sequence and biophysical properties (such as structural, functional, and spatial information, amino acid conservation, physicochemical variation, residue mobility, and thermodynamic stability) indicates that this missense variant is not expected to disrupt APC protein function with a negative predictive value of 95%. In summary, the available evidence is currently insufficient to determine the role of this variant in disease. Therefore, it has been classified as a Variant of Uncertain Significance.

Ambry Genetics
Classification: Uncertain significance for Hereditary cancer-predisposing syndrome. Last evaluated: 2025-10-22. Review status: criteria provided, single submitter. Criteria: Ambry Variant Classification Scheme 2023. Collection method: clinical testing. Allele origin: germline.
Comment: The p.P2309L variant (also known as c.6926C>T), located in coding exon 15 of the APC gene, results from a C to T substitution at nucleotide position 6926. The proline at codon 2309 is replaced by leucine, an amino acid with similar properties. This amino acid position is well conserved in available vertebrate species. In addition, in silico predictors for this gene do not accurately predict pathogenicity. Since supporting evidence is limited at this time, the clinical significance of this alteration remains unclear.

Color Diagnostics, LLC DBA Color Health
Classification: Uncertain significance for Hereditary cancer-predisposing syndrome. Last evaluated: 2025-04-07. Review status: criteria provided, single submitter. Criteria: ACMG Guidelines, 2015. Collection method: clinical testing. Allele origin: germline.
Comment: This missense variant replaces proline with leucine at codon 2309 of the APC protein. Computational prediction suggests that this variant may not impact protein structure and function. To our knowledge, functional studies have not been reported for this variant. This variant has not been reported in individuals affected with APC-related disorders in the literature. This variant has not been identified in the general population by the Genome Aggregation Database (gnomAD). The available evidence is insufficient to determine the role of this variant in disease conclusively. Therefore, this variant is classified as a Variant of Uncertain Significance.

All of Us Research Program, National Institutes of Health
Classification: Uncertain significance for Classic or attenuated familial adenomatous polyposis. Last evaluated: 2023-11-02. Review status: criteria provided, single submitter. Criteria: ACMG Guidelines, 2015. Collection method: clinical testing. Allele origin: germline. Inheritance: Autosomal dominant inheritance. Observed: 1 variant allele, 1 heterozygote.
Comment: This missense variant replaces proline with leucine at codon 2309 of the APC protein. Computational prediction suggests that this variant may not impact protein structure and function (internally defined REVEL score threshold <= 0.5, PMID: 27666373). To our knowledge, functional studies have not been reported for this variant. This variant has not been reported in individuals affected with APC-related disorders in the literature. This variant has not been identified in the general population by the Genome Aggregation Database (gnomAD). The available evidence is insufficient to determine the role of this variant in disease conclusively. Therefore, this variant is classified as a Variant of Uncertain Significance.

This study involves interpretation of variants in research participants for the purpose of population health screening. Participant phenotype was not available at the time of variant classification. Additional details can be found in publication PMID: 35346344, PMCID: PMC8962531

Baylor Genetics
Classification: Uncertain significance for Familial adenomatous polyposis 1. Last evaluated: 2023-06-28. Review status: criteria provided, single submitter. Criteria: ACMG Guidelines, 2015. Collection method: clinical testing. Allele origin: unknown.

Women's Health and Genetics/Laboratory Corporation of America, LabCorp
Classification: Uncertain significance. Last evaluated: 2022-03-24. Review status: criteria provided, single submitter. Criteria: LabCorp Variant Classification Summary - May 2015. Collection method: clinical testing. Allele origin: germline.
Comment: Variant summary: APC c.6926C>T (p.Pro2309Leu) results in a non-conservative amino acid change located in the Adenomatous polyposis coli protein basic domain of the encoded protein sequence. Five of five in-silico tools predict a damaging effect of the variant on protein function. The variant was absent in 250966 control chromosomes. The available data on variant occurrences in the general population are insufficient to allow any conclusion about variant significance. To our knowledge, no occurrence of c.6926C>T in individuals affected with Familial Adenomatous Polyposis and no experimental evidence demonstrating its impact on protein function have been reported. Two clinical diagnostic laboratories have submitted clinical-significance assessments for this variant to ClinVar after 2014 without evidence for independent evaluation. All laboratories classified the variant as uncertain significance. Based on the evidence outlined above, the variant was classified as uncertain significance.